The following is an entry in ClinVar:

ClinVar aggregate classification (germline): Conflicting classifications of pathogenicity. Review status: criteria provided, conflicting classifications (1 of 4 stars). 5 submissions from 5 submitters: Uncertain significance (1); Likely benign (4). Last evaluated 2026-02-02.

Conditions:
Nephrotic syndrome, type 2 (NPHS2). Also called: NEPHROTIC SYNDROME, STEROID-RESISTANT, AUTOSOMAL RECESSIVE. Identifiers: Orphanet 656, MedGen C1868672, MONDO:0010974, OMIM 600995.

Allele frequency attached by ClinVar (database versions not stated): 1000 Genomes Project 0.00020; TOPMed 0.00022; 1000 Genomes Project 30x 0.00031; gnomAD 0.00031; gnomAD exomes 0.00031 and 0.00040; ExAC 0.00041.
gnomAD v4.1: 495 of 1,614,010 alleles (0.031%); highest among the groups gnomAD compares: Non-Finnish European, 0.032%; 2 homozygotes.

Submissions (5):

Labcorp Genetics (formerly Invitae), Labcorp
Classification: Likely benign. Last evaluated: 2026-02-02. Review status: criteria provided, single submitter. Criteria: Invitae Variant Classification Sherloc (09022015). Collection method: clinical testing. Allele origin: germline.

CeGaT Center for Human Genetics Tuebingen
Classification: Likely benign. Last evaluated: 2025-02-01. Review status: criteria provided, single submitter. Criteria: CeGaT Center For Human Genetics Tuebingen Variant Classification Criteria Version 2. Collection method: clinical testing. Allele origin: germline. Affected: yes. Observed: 1 variant allele.
Comment: NPHS2: BP4, BS1

Blueprint Genetics
Classification: Likely benign. Last evaluated: 2024-10-17. Review status: criteria provided, single submitter. Criteria: ACMG Guidelines, 2015. Collection method: clinical testing. Allele origin: germline.

Fulgent Genetics
Classification: Likely benign for Nephrotic syndrome, type 2. Last evaluated: 2024-04-11. Review status: criteria provided, single submitter. Criteria: ACMG Guidelines, 2015. Collection method: clinical testing. Allele origin: germline.

Myriad Genetics, Inc.
Classification: Uncertain significance for Nephrotic syndrome, type 2. Last evaluated: 2021-10-27. Review status: criteria provided, single submitter. Criteria: Myriad Women's Health Autosomal Recessive and X-Linked Classification Criteria (2021). Collection method: clinical testing. Allele origin: unknown.
Comment: NM_014625.2(NPHS2):c.610C>T(L204=) is a silent variant classified as a variant of uncertain significance in the context of NPHS2-related nephrotic syndrome. L204= has been observed in cases with relevant disease (PMID: 26820844, 17216259). Functional assessments of this variant are not available in the literature. L204= has been observed in population frequency databases (gnomAD: FIN 0.16%). In summary, there is insufficient evidence to classify NM_014625.2(NPHS2):c.610C>T(L204=) as pathogenic or benign. Please note: this variant was assessed in the context of healthy population screening.

Literature cited by the submitters: PubMed 17216259 (cited by Myriad Genetics, Inc.); PubMed 26820844 (cited by Myriad Genetics, Inc.).

NM_014625.4(NPHS2):c.610C>T (p.Leu204=)

Gene: NPHS2 (NPHS2 stomatin family member, podocin; minus strand). Cytogenetic location: 1q25.2.
Variant type: single nucleotide variant.
Coding change: c.610C>T on transcript NM_014625.4 (MANE Select); coding-DNA position 610, C replaced by T.
Protein change: p.Leu204=; no amino-acid change (leucine 204 retained).
Molecular consequence: synonymous variant. On other transcripts: intron variant (1).
Genome position (GRCh38, 1-based): chr1:179,557,155, G>A on the plus strand (C>T on the coding strand, the complement: NPHS2 is on the minus strand). VCF-style: chr1-179557155-G-A. GRCh37 (hg19) VCF-style: chr1-179526290-G-A.
Other names: c.534+2524C>T (NM_001297575.2).
Identifiers: ClinVar variation 749728 (VCV000749728.28), dbSNP rs199837664, ClinGen allele CA1267169.
Genomic context (GRCh38, chr1:179,557,155, plus strand): 5'-GCTTCATAGTGGTTTGCACAAGGAATTGCACAGCTTTAGATACATGAGCAAGACTGCTTA[G>A]GAGAAGAGAGGCATTTTCCATTCGGTAGTAGCAAATGGCATCTATCTCCATTATAAACAT-3'
Protein context (NP_055440.1, residues 194-214): YYRMENASLL[Leu204=]SSLAHVSKAV